The following is an entry in ClinVar:

ClinVar aggregate classification (germline): Likely pathogenic (1 of 4 stars; one submission).

Conditions:
Neurodevelopmental disorder with nonspecific brain abnormalities and with or without seizures. Identifiers: MedGen C5231470, MONDO:0032877, OMIM 618709.

Submission:

Institute of Human Genetics, University of Leipzig Medical Center
Classification: Likely pathogenic for Neurodevelopmental disorder with nonspecific brain abnormalities and with or without seizures. Last evaluated: 2021-11-01. Review status: criteria provided, single submitter. Criteria: ACMG/ClinGen CNV Guidelines, 2019. Collection method: clinical testing. Allele origin: unknown. Affected: yes.
Comment: observed as potential unbalanced translocation (6q27)

GRCh37/hg19 12q24.22-24.33(chr12:117461902-133841395)x3

Genes: AACS (acetoacetyl-CoA synthetase; plus strand), OASL (2'-5'-oligoadenylate synthetase like; minus strand), OGFOD2 (2-oxoglutarate and iron dependent oxygenase domain containing 2; plus strand), ORAI1 (ORAI calcium release-activated calcium modulator 1; plus strand), RAN (RAN, member RAS oncogene family; plus strand) and 132 more. Cytogenetic location: 12q24.22-24.33.
Variant type: copy number gain.
Change: copy number 3 (three copies instead of two) of chr12:117,461,902-133,841,395 (16.38 Mb, GRCh37 coordinates, 1-based), cytogenetic band 12q24.22-24.33.
Identifiers: ClinVar variation 1330196 (VCV001330196.1).